The following is an entry in ClinVar:

ClinVar aggregate classification (germline): Likely pathogenic (1 of 4 stars; one submission).

Submission:

GeneDx
Classification: Likely pathogenic. Last evaluated: 2023-10-09. Review status: criteria provided, single submitter. Criteria: GeneDx Variant Classification Process June 2021. Collection method: clinical testing. Allele origin: germline. Affected: yes.
Comment: Not observed at significant frequency in large population cohorts (gnomAD); In silico analysis supports that this missense variant has a deleterious effect on protein structure/function; Has not been previously published as pathogenic or benign to our knowledge

NM_001429.4(EP300):c.3205G>A (p.Asp1069Asn)

Gene: EP300 (E1A binding protein p300; plus strand). Cytogenetic location: 22q13.2.
Variant type: single nucleotide variant.
Coding change: c.3205G>A on transcript NM_001429.4 (MANE Select); coding-DNA position 3205, G replaced by A.
Protein change: p.Asp1069Asn; replaces aspartic acid 1069 with asparagine.
Molecular consequence: missense variant.
Genome position (GRCh38, 1-based): chr22:41,155,057, G>A. VCF-style: chr22-41155057-G-A. GRCh37 (hg19) VCF-style: chr22-41551061-G-A.
Other names: c.3127G>A, p.Asp1043Asn (NM_001362843.2); short protein forms D1043N, D1069N.
Identifiers: ClinVar variation 1331276 (VCV001331276.3), dbSNP rs2145744796, ClinGen allele CA411693928.